The following is an entry in ClinVar:

NM_006912.6(RIT1):c.617G>A (p.Arg206Lys)

Gene: RIT1 (Ras like without CAAX 1; minus strand). Cytogenetic location: 1q22.
Variant type: single nucleotide variant.
Coding change: c.617G>A on transcript NM_006912.6 (MANE Select); coding-DNA position 617, G replaced by A.
Protein change: p.Arg206Lys; replaces arginine 206 with lysine.
Molecular consequence: missense variant.
Genome position (GRCh38, 1-based): chr1:155,900,431, C>T on the plus strand (G>A on the coding strand, the complement: RIT1 is on the minus strand). VCF-style: chr1-155900431-C-T. GRCh37 (hg19) VCF-style: chr1-155870222-C-T.
Other names: c.509G>A, p.Arg170Lys (NM_001256820.2); c.668G>A, p.Arg223Lys (NM_001256821.2); short protein forms R170K, R223K, R206K.
Identifiers: ClinVar variation 2820648 (VCV002820648.3), dbSNP rs138290726, ClinGen allele CA342800765.

ClinVar aggregate classification (germline): Uncertain significance (1 of 4 stars; one submission).

Conditions:
Noonan syndrome 8 (NS8). Identifiers: Orphanet 648, MedGen C3809233, MONDO:0014143, OMIM 615355.

Allele frequency attached by ClinVar (database versions not stated): gnomAD exomes below 0.00001.

Submission:

Labcorp Genetics (formerly Invitae), Labcorp
Classification: Uncertain significance for Noonan syndrome 8. Last evaluated: 2022-12-14. Review status: criteria provided, single submitter. Criteria: Invitae Variant Classification Sherloc (09022015). Collection method: clinical testing. Allele origin: germline.
Comment: This sequence change replaces arginine, which is basic and polar, with lysine, which is basic and polar, at codon 206 of the RIT1 protein (p.Arg206Lys). This variant is not present in population databases (gnomAD no frequency). This variant has not been reported in the literature in individuals affected with RIT1-related conditions. Advanced modeling of protein sequence and biophysical properties (such as structural, functional, and spatial information, amino acid conservation, physicochemical variation, residue mobility, and thermodynamic stability) performed at Invitae indicates that this missense variant is not expected to disrupt RIT1 protein function. In summary, the available evidence is currently insufficient to determine the role of this variant in disease. Therefore, it has been classified as a Variant of Uncertain Significance.